The following is an entry in ClinVar:

NM_001100913.3(PACS2):c.2127_2162del (p.Asp710_Ser721del)

Gene: PACS2 (phosphofurin acidic cluster sorting protein 2; plus strand). Cytogenetic location: 14q32.33.
Variant type: Deletion.
Coding change: c.2127_2162del on transcript NM_001100913.3 (MANE Select); coding-DNA positions 2127 to 2162, 36 bases deleted.
Protein change: p.Asp710_Ser721del.
Molecular consequence: inframe deletion.
Genome position (GRCh38, 1-based): chr14:105,391,638-105,391,673, 36 bases deleted; deleting any 36 consecutive bases within chr14:105,391,635-105,391,673 gives the same sequence; the c. name uses the placement nearest the transcript's 3' end. GRCh37 (hg19): chr14:105,857,975-105,858,010.
Other names: c.1857_1892del, p.Asp620_Ser631del (NM_001243127.3); c.2082_2117del, p.Asp695_Ser706del (NM_015197.4).
Identifiers: ClinVar variation 1486453 (VCV001486453.4), dbSNP rs1181930168, ClinGen allele CA616256832.
Genomic context (GRCh38, chr14:105,391,634, plus strand): 5'-TGGCACCCGGGCAGAGCAGCAGGTGGGCTCAGCCTGCCCTGTGACTCCTCCCCAAAGGCG[ACTCGGACGACGCGGCCCCCTCGGGCTCTGGCACGCT>A]CTCCTCCACCCCGCCGTCCGCATCTCCTGCGGCCAAGGAGGCCTCACCCACCCCGCCCTC-3'

ClinVar aggregate classification (germline): Uncertain significance. Review status: criteria provided, multiple submitters, no conflicts (2 of 4 stars). 2 submissions from 2 submitters: Uncertain significance (2). Last evaluated 2022-06-27.

Submissions (2):

GeneDx
Classification: Uncertain significance. Last evaluated: 2022-06-27. Review status: criteria provided, single submitter. Criteria: GeneDx Variant Classification Process June 2021. Collection method: clinical testing. Allele origin: germline. Affected: yes.
Comment: In-frame deletion of 12 amino acids in a non-repeat region; In silico analysis supports a deleterious effect on protein structure/function; Has not been previously published as pathogenic or benign to our knowledge

Labcorp Genetics (formerly Invitae), Labcorp
Classification: Uncertain significance. Last evaluated: 2021-09-02. Review status: criteria provided, single submitter. Criteria: Invitae Variant Classification Sherloc (09022015). Collection method: clinical testing. Allele origin: germline.